The following is an entry in ClinVar:

ClinVar aggregate classification (germline): Pathogenic (0 of 4 stars; one submission).

Submission:

Quest Diagnostics Nichols Institute San Juan Capistrano
Classification: Pathogenic. Last evaluated: 2020-09-16. Review status: no assertion criteria provided. Collection method: clinical testing. Allele origin: germline.
Comment: The copy number gain (duplication) of Xq28 overlaps the int22h1/int22h2-mediated Xq28 duplication syndrome region (OMIM 300815), which is an X-linked intellectual disability syndrome characterized by variable features including cognitive impairment, behavioral and psychiatric problems, recurrent infections and atopic diseases, obesity, and distinctive facial features in males. Female carriers exhibit a milder phenotype (with learning difficulties and distinctive facies) or are clinically unaffected. The cognitive impairment in individuals with the int22h1/int22h2-mediated Xq28 duplication syndrome is likely due to increased dosage of one or more of the encompassed genes; the most likely candidates are CLIC2 (OMIM*300138) and RAB39B (OMIM*300774) (El-Hattab et al., GeneReviews, 2016. PMID: 26962617; El-Hattab et al., BMC Med Genet. 2015 Mar 14;16:12. PMID: 25927380; Isrie et al., Eur J Med Genet. 2012 Nov;55(11):577-85. PMID: 22659343; Vanmarsenille L. Hum Mutat. 2014 Mar;35(3):377-83. PMID: 24357492).

GRCh37/hg19 Xq28(chrX:154078238-154563469)x3

Genes: BRCC3 (BRCA1/BRCA2-containing complex subunit 3; plus strand), CLIC2 (chloride intracellular channel 2; minus strand), CMC4 (C-X9-C motif containing 4; minus strand), F8 (coagulation factor VIII; minus strand), F8A1 (coagulation factor VIII associated 1; plus strand) and 5 more. Cytogenetic location: Xq28.
Variant type: copy number gain.
Change: copy number 3 of chrX:154,078,238-154,563,469 (485.2 kb, GRCh37 coordinates, 1-based), cytogenetic band Xq28.
Identifiers: ClinVar variation 980881 (VCV000980881.2).